The following is an entry in ClinVar:

ClinVar aggregate classification (germline): Uncertain significance. Review status: criteria provided, multiple submitters, no conflicts (2 of 4 stars). 3 submissions from 3 submitters: Uncertain significance (3). Last evaluated 2025-12-11.

Conditions:
Inborn genetic diseases. Identifiers: MedGen C0950123, MeSH D030342.
Glucocorticoid deficiency with achalasia (AAAS). Also called: Alacrima-achalasia-addisonianism; ACTH-resistant adrenal insufficiency, achalasia and alacrima; Glucocorticoid deficiency and achalasia; Hypoadrenalism with achalasia; AAA syndrome; Allgrove syndrome. Identifiers: Orphanet 869, MedGen C0271742, MONDO:0009279, OMIM 231550.

Allele frequency attached by ClinVar (database versions not stated): ExAC 0.00012; gnomAD 0.00012; TOPMed 0.00012; ESP Exome Variant Server 0.00015.
gnomAD v4.1: 138 of 1,614,086 alleles (0.0085%); highest among the groups gnomAD compares: Middle Eastern, 0.066%; no homozygotes.

Submissions (3):

Ambry Genetics
Classification: Uncertain significance for Inborn genetic diseases. Last evaluated: 2025-12-11. Review status: criteria provided, single submitter. Criteria: Ambry Variant Classification Scheme 2023. Collection method: clinical testing. Allele origin: germline.

Labcorp Genetics (formerly Invitae), Labcorp
Classification: Uncertain significance. Last evaluated: 2022-09-12. Review status: criteria provided, single submitter. Criteria: Invitae Variant Classification Sherloc (09022015). Collection method: clinical testing. Allele origin: germline.
Comment: This sequence change replaces aspartic acid, which is acidic and polar, with histidine, which is basic and polar, at codon 339 of the AAAS protein (p.Asp339His). This variant is present in population databases (rs140920186, gnomAD 0.02%). This variant has not been reported in the literature in individuals affected with AAAS-related conditions. Advanced modeling of protein sequence and biophysical properties (such as structural, functional, and spatial information, amino acid conservation, physicochemical variation, residue mobility, and thermodynamic stability) performed at Invitae indicates that this missense variant is expected to disrupt AAAS protein function. In summary, the available evidence is currently insufficient to determine the role of this variant in disease. Therefore, it has been classified as a Variant of Uncertain Significance.

Department of Pathology and Laboratory Medicine, Sinai Health System
Classification: Uncertain significance for triple-A syndrome. Last evaluated: 2020-06-01. Review status: criteria provided, single submitter. Criteria: ACMG Guidelines, 2015. Collection method: research. Allele origin: germline.

NM_015665.6(AAAS):c.1015G>C (p.Asp339His)

Gene: AAAS (aladin WD repeat nucleoporin; minus strand). Cytogenetic location: 12q13.13.
Variant type: single nucleotide variant.
Coding change: c.1015G>C on transcript NM_015665.6 (MANE Select); coding-DNA position 1015, G replaced by C.
Protein change: p.Asp339His; replaces aspartic acid 339 with histidine.
Molecular consequence: missense variant.
Genome position (GRCh38, 1-based): chr12:53,308,797, C>G on the plus strand (G>C on the coding strand, the complement: AAAS is on the minus strand). VCF-style: chr12-53308797-C-G. GRCh37 (hg19) VCF-style: chr12-53702581-C-G.
Other names: c.916G>C, p.Asp306His (NM_001173466.2); short protein forms D306H, D339H.
Identifiers: ClinVar variation 2066872 (VCV002066872.4), dbSNP rs140920186, ClinGen allele CA6599011.
Genomic context (GRCh38, chr12:53,308,797, plus strand): 5'-GAAAAGACAGGGAGTAAATCAGTGGCTCTCCCAATACAGTGAACAGCAGTCGGCTGCCAT[C>G]TGGGCTCCAGCAGCCAGTCTGGGGTCAGGGAGCAAAAGGCAGGAGAAGGTATGTCTATAG-3'
Protein context (NP_056480.1, residues 329-349): GRCQTGCWSP[Asp339His]GSRLLFTVLG